The following is an entry in ClinVar:

ClinVar aggregate classification (germline): Likely benign. Review status: criteria provided, multiple submitters, no conflicts (2 of 4 stars). 3 submissions from 3 submitters: Likely benign (2). 1 of the submissions does not count toward it. Last evaluated 2024-12-04.

Conditions:
TERT-related disorder. Also called: TERT-related condition; TERT-related disorders.
Dyskeratosis congenita. Identifiers: Orphanet 1775, MedGen C0265965, MONDO:0015780.
Idiopathic Pulmonary Fibrosis. Also called: Idiopathic fibrosing alveolitis, chronic form; idiopathic fibrosing alveolitis. Identifiers: Orphanet 2032, MedGen C1800706, MeSH D054990, MONDO:0800504.
Dyskeratosis congenita, autosomal dominant 2. Identifiers: MedGen C3151443, MONDO:0013521, OMIM 613989.

Allele frequency attached by ClinVar (database versions not stated): gnomAD exomes 0.00001.
gnomAD v4.1: 46 of 1,614,180 alleles (0.0028%); highest among the groups gnomAD compares: Non-Finnish European, 0.0036%; no homozygotes.

Submissions (3):

Labcorp Genetics (formerly Invitae), Labcorp
Classification: Likely benign for Dyskeratosis congenita, autosomal dominant 2; Idiopathic Pulmonary Fibrosis. Last evaluated: 2024-12-04. Review status: criteria provided, single submitter. Criteria: Invitae Variant Classification Sherloc (09022015). Collection method: clinical testing. Allele origin: germline.

Ambry Genetics
Classification: Likely benign for Dyskeratosis congenita. Last evaluated: 2022-02-15. Review status: criteria provided, single submitter. Criteria: Ambry Variant Classification Scheme 2023. Collection method: clinical testing. Allele origin: germline.

PreventionGenetics, part of Exact Sciences
Classification: Likely benign for TERT-related condition. Last evaluated: 2023-05-11. Review status: no assertion criteria provided. Collection method: clinical testing. Allele origin: germline. Not counted in ClinVar's aggregate classification.
Comment: This variant is classified as likely benign based on ACMG/AMP sequence variant interpretation guidelines (Richards et al. 2015 PMID: 25741868, with internal and published modifications).

NM_198253.3(TERT):c.3042A>G (p.Ala1014=)

Gene: TERT (telomerase reverse transcriptase; minus strand). Cytogenetic location: 5p15.33.
Variant type: single nucleotide variant.
Coding change: c.3042A>G on transcript NM_198253.3 (MANE Select); coding-DNA position 3042, A replaced by G.
Protein change: p.Ala1014=; no amino-acid change (alanine 1014 retained).
Molecular consequence: synonymous variant. On other transcripts: non-coding transcript variant (2).
Genome position (GRCh38, 1-based): chr5:1,255,402, T>C on the plus strand (A>G on the coding strand, the complement: TERT is on the minus strand). VCF-style: chr5-1255402-T-C. GRCh37 (hg19) VCF-style: chr5-1255517-T-C.
Other names: c.2853A>G, p.Ala951= (NM_001193376.3).
Identifiers: ClinVar variation 639715 (VCV000639715.13), dbSNP rs1337149388, ClinGen allele CA443020478.